The following is an entry in ClinVar:

ClinVar aggregate classification (germline): Conflicting classifications of pathogenicity. Review status: criteria provided, conflicting classifications (1 of 4 stars). 2 submissions from 2 submitters: Uncertain significance (1); Benign (1). Last evaluated 2025-08-14.

Conditions:
Hereditary cancer-predisposing syndrome. Also called: Neoplastic Syndromes, Hereditary; Tumor predisposition; Hereditary Cancer Syndrome; Hereditary neoplastic syndrome. Identifiers: Orphanet 140162, MedGen C0027672, MeSH D009386, MONDO:0015356.
Tuberous sclerosis 2 (TSC2). Identifiers: Orphanet 805, MedGen C1860707, MONDO:0013199, OMIM 613254.

gnomAD v4.1: 2 of 1,612,806 alleles (0.00012%); highest among the groups gnomAD compares: Admixed American, 0.0017%; no homozygotes.

Submissions (2):

Ambry Genetics
Classification: Uncertain significance for Hereditary cancer-predisposing syndrome. Last evaluated: 2025-08-14. Review status: criteria provided, single submitter. Criteria: Ambry Variant Classification Scheme 2023. Collection method: clinical testing. Allele origin: germline.
Comment: The p.N1707T variant (also known as c.5120A>C), located in coding exon 39 of the TSC2 gene, results from an A to C substitution at nucleotide position 5120. The asparagine at codon 1707 is replaced by threonine, an amino acid with similar properties. This amino acid position is highly conserved in available vertebrate species. In addition, this alteration is predicted to be deleterious by in silico analysis. Since supporting evidence is limited at this time, the clinical significance of this alteration remains unclear.

Labcorp Genetics (formerly Invitae), Labcorp
Classification: Benign for Tuberous sclerosis 2. Last evaluated: 2024-03-03. Review status: criteria provided, single submitter. Criteria: Invitae Variant Classification Sherloc (09022015). Collection method: clinical testing. Allele origin: germline.

NM_000548.5(TSC2):c.5120A>C (p.Asn1707Thr)

Gene: TSC2 (TSC complex subunit 2; plus strand). Cytogenetic location: 16p13.3.
Variant type: single nucleotide variant.
Coding change: c.5120A>C on transcript NM_000548.5 (MANE Select); coding-DNA position 5120, A replaced by C.
Protein change: p.Asn1707Thr; replaces asparagine 1707 with threonine.
Molecular consequence: missense variant.
Genome position (GRCh38, 1-based): chr16:2,088,099, A>C. VCF-style: chr16-2088099-A-C. GRCh37 (hg19) VCF-style: chr16-2138100-A-C.
Other names: c.4919A>C, p.Asn1640Thr (NM_001077183.3); c.5051A>C, p.Asn1684Thr (NM_001114382.3); c.4811A>C, p.Asn1604Thr (NM_001318827.2); c.4775A>C, p.Asn1592Thr (NM_001318829.2); c.4388A>C, p.Asn1463Thr (NM_001318831.2); c.4952A>C, p.Asn1651Thr (NM_001318832.2); c.4922A>C, p.Asn1641Thr (NM_001363528.2); c.4988A>C, p.Asn1663Thr (NM_001370404.1); and 26 more; short protein forms N1216T, N1592T, N1604T, N1635T, N1641T, N1647T, N1651T, N1683T.
Identifiers: ClinVar variation 1745481 (VCV001745481.9), dbSNP rs772439098, ClinGen allele CA394312371.